The following is an entry in ClinVar:

NM_004646.4(NPHS1):c.2150A>G (p.Tyr717Cys)

Gene: NPHS1 (NPHS1 adhesion molecule, nephrin; minus strand). Cytogenetic location: 19q13.12.
Variant type: single nucleotide variant.
Coding change: c.2150A>G on transcript NM_004646.4 (MANE Select); coding-DNA position 2150, A replaced by G.
Protein change: p.Tyr717Cys; replaces tyrosine 717 with cysteine.
Molecular consequence: missense variant.
Genome position (GRCh38, 1-based): chr19:35,844,165, T>C on the plus strand (A>G on the coding strand, the complement: NPHS1 is on the minus strand). VCF-style: chr19-35844165-T-C. GRCh37 (hg19) VCF-style: chr19-36335067-T-C.
Other names: p.Tyr717Cys; short protein forms Y717C.
Identifiers: ClinVar variation 2683491 (VCV002683491.1), dbSNP rs2513771533, ClinGen allele CA405397370.

ClinVar aggregate classification (germline): Uncertain significance (1 of 4 stars; one submission).

Allele frequency attached by ClinVar (database versions not stated): gnomAD exomes 0.00001.
gnomAD v4.1: 4 of 1,610,830 alleles (0.00025%); highest among the groups gnomAD compares: Non-Finnish European, 0.00034%; no homozygotes.

Submission:

Mayo Clinic Laboratories, Mayo Clinic
Classification: Uncertain significance. Last evaluated: 2023-05-24. Review status: criteria provided, single submitter. Criteria: ACMG Guidelines, 2015. Collection method: clinical testing. Allele origin: germline. Observed: 1 variant allele.
Comment: PM2_supporting

Literature cited by the submitters: PubMed 29474669.